The following is an entry in ClinVar:

NM_018404.3(ADAP2):c.1105C>T (p.Arg369Trp)

Gene: ADAP2 (ArfGAP with dual PH domains 2; plus strand). Cytogenetic location: 17q11.2.
Variant type: single nucleotide variant.
Coding change: c.1105C>T on transcript NM_018404.3 (MANE Select); coding-DNA position 1105, C replaced by T.
Protein change: p.Arg369Trp; replaces arginine 369 with tryptophan.
Molecular consequence: missense variant. On other transcripts: non-coding transcript variant (1), intron variant (1).
Genome position (GRCh38, 1-based): chr17:30,956,463, C>T. VCF-style: chr17-30956463-C-T. GRCh37 (hg19) VCF-style: chr17-29283481-C-T.
Other names: c.1123C>T, p.Arg375Trp (NM_001346712.2); c.1102C>T, p.Arg368Trp (NM_001346714.2); c.1033+72C>T (NM_001346716.2); short protein forms R369W, R375W, R368W.
Identifiers: ClinVar variation 91999 (VCV000091999.3), dbSNP rs201148730, ClinGen allele CA232322.

ClinVar aggregate classification (germline): Uncertain significance. Review status: criteria provided, single submitter (1 of 4 stars). 2 submissions from 2 submitters: Uncertain significance (1). 1 of the submissions does not count toward it. Last evaluated 2025-02-25.

Allele frequency attached by ClinVar (database versions not stated): gnomAD 0.00001; gnomAD exomes 0.00001; TOPMed 0.00001.
gnomAD v4.1: 33 of 1,613,954 alleles (0.002%); highest among the groups gnomAD compares: Middle Eastern, 0.033%; no homozygotes.

Submissions (2):

Ambry Genetics
Classification: Uncertain significance. Last evaluated: 2025-02-25. Review status: criteria provided, single submitter. Criteria: Ambry Variant Classification Scheme 2023. Collection method: clinical testing. Allele origin: germline.

Richard Lifton Laboratory, Yale University School of Medicine
Classification: Uncertain significance. Review status: no assertion criteria provided. Collection method: not provided. Allele origin: somatic. Not counted in ClinVar's aggregate classification.
Comment: ADAP2
ClinVar note: Converted during submission from unknown to Uncertain significance.